The following is an entry in ClinVar:

ClinVar aggregate classification (germline): Likely benign (1 of 4 stars; one submission).

Submission:

CeGaT Center for Human Genetics Tuebingen
Classification: Likely benign. Last evaluated: 2025-10-01. Review status: criteria provided, single submitter. Criteria: CeGaT Center For Human Genetics Tuebingen Variant Classification Criteria Version 2. Collection method: clinical testing. Allele origin: germline. Affected: yes. Observed: 1 variant allele.
Comment: PRKAR1A: PM2:Supporting, BP4, BP7

NM_002734.5(PRKAR1A):c.126A>G (p.Arg42=)

Gene: PRKAR1A (protein kinase cAMP-dependent type I regulatory subunit alpha; plus strand). Cytogenetic location: 17q24.2.
Variant type: single nucleotide variant.
Coding change: c.126A>G on transcript NM_002734.5 (MANE Select); coding-DNA position 126, A replaced by G.
Protein change: p.Arg42=; no amino-acid change (arginine 42 retained).
Molecular consequence: synonymous variant.
Genome position (GRCh38, 1-based): chr17:68,515,525, A>G. VCF-style: chr17-68515525-A-G. GRCh37 (hg19) VCF-style: chr17-66511666-A-G.
Other names: c.126A>G, p.Arg42= (NM_001276289.2, NM_001276290.1, NM_001278433.2 and 4 more transcripts).
Identifiers: ClinVar variation 4534992 (VCV004534992.6).
Genomic context (GRCh38, chr17:68,515,525, plus strand): 5'-CCAGAAGCATAACATTCAAGCGCTGCTCAAAGATTCTATTGTGCAGTTGTGCACTGCTCG[A>G]CCTGAGAGACCCATGGCATTCCTCAGGGAATACTTTGAGAGGTTGGAGAAGGTAAAAATA-3'
Protein context (NP_002725.1, residues 32-52): KDSIVQLCTA[Arg42=]PERPMAFLRE